The following is an entry in ClinVar:

NM_006118.4(HAX1):c.809T>C (p.Leu270Ser)

Gene: HAX1 (HCLS1 associated protein X-1; plus strand). Cytogenetic location: 1q21.3.
Variant type: single nucleotide variant.
Coding change: c.809T>C on transcript NM_006118.4 (MANE Select); coding-DNA position 809, T replaced by C.
Protein change: p.Leu270Ser; replaces leucine 270 with serine.
Molecular consequence: missense variant.
Genome position (GRCh38, 1-based): chr1:154,275,670, T>C. VCF-style: chr1-154275670-T-C. GRCh37 (hg19) VCF-style: chr1-154248146-T-C.
Other names: c.665T>C, p.Leu222Ser (NM_001018837.2); short protein forms L222S, L270S.
Identifiers: ClinVar variation 874306 (VCV000874306.5), dbSNP rs759963419, ClinGen allele CA1127478.

ClinVar aggregate classification (germline): Uncertain significance. Review status: criteria provided, multiple submitters, no conflicts (2 of 4 stars). 2 submissions from 2 submitters: Uncertain significance (2). Last evaluated 2025-08-21.

Conditions:
Kostmann syndrome (SCN3). Also called: Autosomal recessive severe congenital neutropenia type 3; KOSTMANN DISEASE. Identifiers: Orphanet 99749, MedGen C5235141, MONDO:0012548, OMIM 610738.
Inborn genetic diseases. Identifiers: MedGen C0950123, MeSH D030342.

Allele frequency attached by ClinVar (database versions not stated): gnomAD exomes below 0.00001 and 0.00001; ExAC 0.00001.
gnomAD v4.1: 1 of 1,613,988 alleles (0.000062%); highest among the groups gnomAD compares: Middle Eastern, 0.017%; no homozygotes.

Submissions (2):

Ambry Genetics
Classification: Uncertain significance for Inborn genetic diseases. Last evaluated: 2025-08-21. Review status: criteria provided, single submitter. Criteria: Ambry Variant Classification Scheme 2023. Collection method: clinical testing. Allele origin: germline.
Comment: The p.L270S variant (also known as c.809T>C), located in coding exon 7 of the HAX1 gene, results from a T to C substitution at nucleotide position 809. The leucine at codon 270 is replaced by serine, an amino acid with dissimilar properties. This amino acid position is conserved. In addition, this alteration is predicted to be tolerated by in silico analysis. Based on the available evidence, the clinical significance of this variant remains unclear.

Illumina Laboratory Services, Illumina
Classification: Uncertain significance for Kostmann syndrome. Last evaluated: 2018-01-12. Review status: criteria provided, single submitter. Criteria: ICSL Variant Classification Criteria 13 December 2019. Collection method: clinical testing. Allele origin: germline.